The following is an entry in ClinVar:

ClinVar aggregate classification (germline): Uncertain significance. Review status: criteria provided, multiple submitters, no conflicts (2 of 4 stars). 2 submissions from 2 submitters: Uncertain significance (2). Last evaluated 2024-11-12.

Conditions:
Hereditary cancer-predisposing syndrome. Also called: Neoplastic Syndromes, Hereditary; Tumor predisposition; Hereditary Cancer Syndrome; Hereditary neoplastic syndrome. Identifiers: Orphanet 140162, MedGen C0027672, MeSH D009386, MONDO:0015356.
Familial cancer of breast. Also called: hereditary breast carcinoma; Hereditary breast cancer; BREAST CANCER, FAMILIAL. Identifiers: Orphanet 227535, MedGen C0346153, MONDO:0016419, OMIM 114480. Disease mechanism: loss of function.

Allele frequency attached by ClinVar (database versions not stated): gnomAD exomes below 0.00001.
gnomAD v4.1: 1 of 1,613,980 alleles (0.000062%); highest among the groups gnomAD compares: Non-Finnish European, 0.000085%; no homozygotes.

Submissions (2):

Labcorp Genetics (formerly Invitae), Labcorp
Classification: Uncertain significance for Familial cancer of breast. Last evaluated: 2024-11-12. Review status: criteria provided, single submitter. Criteria: Invitae Variant Classification Sherloc (09022015). Collection method: clinical testing. Allele origin: germline.
Comment: This sequence change replaces leucine, which is neutral and non-polar, with proline, which is neutral and non-polar, at codon 191 of the CHEK2 protein (p.Leu191Pro). This variant is not present in population databases (gnomAD no frequency). This variant has not been reported in the literature in individuals affected with CHEK2-related conditions. ClinVar contains an entry for this variant (Variation ID: 649256). An algorithm developed to predict the effect of missense changes on protein structure and function (PolyPhen-2) suggests that this variant is likely to be disruptive. In summary, the available evidence is currently insufficient to determine the role of this variant in disease. Therefore, it has been classified as a Variant of Uncertain Significance.

Ambry Genetics
Classification: Uncertain significance for Hereditary cancer-predisposing syndrome. Last evaluated: 2022-08-04. Review status: criteria provided, single submitter. Criteria: Ambry Variant Classification Scheme 2023. Collection method: clinical testing. Allele origin: germline.
Comment: The p.L191P variant (also known as c.572T>C), located in coding exon 3 of the CHEK2 gene, results from a T to C substitution at nucleotide position 572. The leucine at codon 191 is replaced by proline, an amino acid with similar properties. This amino acid position is highly conserved in available vertebrate species. In addition, this alteration is predicted to be deleterious by in silico analysis. Since supporting evidence is limited at this time, the clinical significance of this alteration remains unclear.

NM_007194.4(CHEK2):c.572T>C (p.Leu191Pro)

Gene: CHEK2 (checkpoint kinase 2; minus strand). Cytogenetic location: 22q12.1.
Variant type: single nucleotide variant.
Coding change: c.572T>C on transcript NM_007194.4 (MANE Select); coding-DNA position 572, T replaced by C.
Protein change: p.Leu191Pro; replaces leucine 191 with proline.
Molecular consequence: missense variant. On other transcripts: 5 prime UTR variant (2), intron variant (1).
Genome position (GRCh38, 1-based): chr22:28,724,997, A>G on the plus strand (T>C on the coding strand, the complement: CHEK2 is on the minus strand). VCF-style: chr22-28724997-A-G. GRCh37 (hg19) VCF-style: chr22-29120985-A-G.
Other names: c.701T>C, p.Leu234Pro (NM_001005735.3, NM_001438294.1); c.-206T>C (NM_001257387.3); c.-92T>C (NM_001437942.1); c.665T>C, p.Leu222Pro (NM_001438293.1, NM_001438295.1); c.572T>C, p.Leu191Pro (NM_145862.3); c.445-74T>C (NM_001349956.3); short protein forms L191P, L234P, L222P.
Identifiers: ClinVar variation 649256 (VCV000649256.16), dbSNP rs1601822957, ClinGen allele CA411107040.